The following is an entry in ClinVar:

ClinVar aggregate classification (germline): Uncertain significance. Review status: criteria provided, multiple submitters, no conflicts (2 of 4 stars). 3 submissions from 3 submitters: Uncertain significance (3). Last evaluated 2025-06-09.

Allele frequency attached by ClinVar (database versions not stated): TOPMed 0.00002.
gnomAD v4.1: 37 of 1,613,616 alleles (0.0023%); highest among the groups gnomAD compares: Admixed American, 0.018%; no homozygotes.

Submissions (3):

Labcorp Genetics (formerly Invitae), Labcorp
Classification: Uncertain significance. Last evaluated: 2025-06-09. Review status: criteria provided, single submitter. Criteria: Invitae Variant Classification Sherloc (09022015). Collection method: clinical testing. Allele origin: germline.
Comment: This sequence change replaces proline, which is neutral and non-polar, with glutamine, which is neutral and polar, at codon 100 of the RBP3 protein (p.Pro100Gln). This variant is present in population databases (rs143076262, gnomAD 0.01%). This variant has not been reported in the literature in individuals affected with RBP3-related conditions. ClinVar contains an entry for this variant (Variation ID: 1009738). Invitae Evidence Modeling of protein sequence and biophysical properties (such as structural, functional, and spatial information, amino acid conservation, physicochemical variation, residue mobility, and thermodynamic stability) indicates that this missense variant is not expected to disrupt RBP3 protein function with a negative predictive value of 80%. In summary, the available evidence is currently insufficient to determine the role of this variant in disease. Therefore, it has been classified as a Variant of Uncertain Significance.

Blueprint Genetics
Classification: Uncertain significance. Last evaluated: 2022-11-13. Review status: criteria provided, single submitter. Criteria: ACMG Guidelines, 2015. Collection method: clinical testing. Allele origin: germline.

Breakthrough Genomics
Classification: Uncertain significance. Review status: criteria provided, single submitter. Criteria: ACMG Guidelines, 2015. Collection method: not provided. Allele origin: germline. Inheritance: Autosomal recessive inheritance. Affected: yes.

NM_002900.3(RBP3):c.299C>A (p.Pro100Gln)

Gene: RBP3 (retinol binding protein 3; plus strand). Cytogenetic location: 10q11.22.
Variant type: single nucleotide variant.
Coding change: c.299C>A on transcript NM_002900.3 (MANE Select); coding-DNA position 299, C replaced by A.
Protein change: p.Pro100Gln; replaces proline 100 with glutamine.
Molecular consequence: missense variant.
Genome position (GRCh38, 1-based): chr10:47,348,783, C>A. VCF-style: chr10-47348783-C-A. GRCh37 (hg19) VCF-style: chr10-48390579-G-T.
Other names: short protein forms P100Q.
Identifiers: ClinVar variation 1009738 (VCV001009738.8), dbSNP rs143076262, ClinGen allele CA5487818.